The following is an entry in ClinVar:

NM_001376.5(DYNC1H1):c.11771T>A (p.Ile3924Asn)

Gene: DYNC1H1 (dynein cytoplasmic 1 heavy chain 1; plus strand). Cytogenetic location: 14q32.31.
Variant type: single nucleotide variant.
Coding change: c.11771T>A on transcript NM_001376.5 (MANE Select); coding-DNA position 11771, T replaced by A.
Protein change: p.Ile3924Asn; replaces isoleucine 3924 with asparagine.
Molecular consequence: missense variant.
Genome position (GRCh38, 1-based): chr14:102,040,316, T>A. VCF-style: chr14-102040316-T-A. GRCh37 (hg19) VCF-style: chr14-102506653-T-A.
Other names: short protein forms I3924N.
Identifiers: ClinVar variation 2149384 (VCV002149384.6), dbSNP rs1054765176, ClinGen allele CA266977056.

ClinVar aggregate classification (germline): Uncertain significance. Review status: criteria provided, multiple submitters, no conflicts (2 of 4 stars). 3 submissions from 3 submitters: Uncertain significance (3). Last evaluated 2025-09-01.

Conditions:
Inborn genetic diseases. Identifiers: MedGen C0950123, MeSH D030342.
Charcot-Marie-Tooth disease axonal type 2O. Also called: CHARCOT-MARIE-TOOTH NEUROPATHY, AXONAL, TYPE 2O; CHARCOT-MARIE-TOOTH DISEASE, AXONAL, AUTOSOMAL DOMINANT, TYPE 2O; Charcot-Marie-Tooth Neuropathy Type 2O; Charcot-Marie-Tooth disease, axonal, type 20. Identifiers: Orphanet 284232, MedGen C3280220, MONDO:0013644, OMIM 614228.

Allele frequency attached by ClinVar (database versions not stated): TOPMed below 0.00001; gnomAD 0.00001.
gnomAD v4.1: 1 of 1,614,050 alleles (0.000062%); highest among the groups gnomAD compares: Non-Finnish European, 0.000085%; no homozygotes.

Submissions (3):

Ambry Genetics
Classification: Uncertain significance for Inborn genetic diseases. Last evaluated: 2025-09-01. Review status: criteria provided, single submitter. Criteria: Ambry Variant Classification Scheme 2023. Collection method: clinical testing. Allele origin: germline.

Women's Health and Genetics/Laboratory Corporation of America, LabCorp
Classification: Uncertain significance. Last evaluated: 2025-03-14. Review status: criteria provided, single submitter. Criteria: LabCorp Variant Classification Summary - May 2015. Collection method: clinical testing. Allele origin: germline.
Comment: Variant summary: DYNC1H1 c.11771T>A (p.Ile3924Asn) results in a non-conservative amino acid change in the encoded protein sequence. Three of five in-silico tools predict a damaging effect of the variant on protein function. The variant was absent in 251486 control chromosomes. The available data on variant occurrences in the general population are insufficient to allow any conclusion about variant significance. To our knowledge, no occurrence of c.11771T>A in individuals affected with Charcot-Marie-Tooth disease axonal type 2O and no experimental evidence demonstrating its impact on protein function have been reported. ClinVar contains an entry for this variant (Variation ID: 2149384). Based on the evidence outlined above, the variant was classified as uncertain significance.

Labcorp Genetics (formerly Invitae), Labcorp
Classification: Uncertain significance for Charcot-Marie-Tooth disease axonal type 2O. Last evaluated: 2023-07-14. Review status: criteria provided, single submitter. Criteria: Invitae Variant Classification Sherloc (09022015). Collection method: clinical testing. Allele origin: germline.
Comment: This variant has not been reported in the literature in individuals affected with DYNC1H1-related conditions. In summary, the available evidence is currently insufficient to determine the role of this variant in disease. Therefore, it has been classified as a Variant of Uncertain Significance. Advanced modeling of protein sequence and biophysical properties (such as structural, functional, and spatial information, amino acid conservation, physicochemical variation, residue mobility, and thermodynamic stability) performed at Invitae indicates that this missense variant is not expected to disrupt DYNC1H1 protein function. ClinVar contains an entry for this variant (Variation ID: 2149384). This variant is not present in population databases (gnomAD no frequency). This sequence change replaces isoleucine, which is neutral and non-polar, with asparagine, which is neutral and polar, at codon 3924 of the DYNC1H1 protein (p.Ile3924Asn).